The following is an entry in ClinVar:

ClinVar aggregate classification (germline): Likely pathogenic (1 of 4 stars; one submission).

Conditions:
Lysinuric protein intolerance (LPI). Identifiers: Orphanet 470, MedGen C0268647, MONDO:0009109, OMIM 222700.

Submission:

Natera, Inc.
Classification: Likely pathogenic for Lysinuric protein intolerance. Last evaluated: 2024-11-08. Review status: criteria provided, single submitter. Criteria: Natera Variant Classification Schema (03/2026). Collection method: clinical testing. Allele origin: germline.
Comment: The c.363G>A variant in SLC7A7 is a nonsense variant predicted to introduce a stop codon at amino acid 121. This variant is expected to result in nonsense mediated decay, truncation, or a dysfunctional protein product. This variant is rare in the general population with a frequency below the threshold expected for the associated phenotype(s). Given the available evidence, this variant is classified as Likely Pathogenic.

NM_003982.4(SLC7A7):c.363G>A (p.Trp121Ter)

Gene: SLC7A7 (solute carrier family 7 member 7; minus strand). Cytogenetic location: 14q11.2.
Variant type: single nucleotide variant.
Coding change: c.363G>A on transcript NM_003982.4 (MANE Select); coding-DNA position 363, G replaced by A.
Protein change: p.Trp121Ter; replaces tryptophan 121 with a stop codon.
Molecular consequence: nonsense.
Genome position (GRCh38, 1-based): chr14:22,813,036, C>T on the plus strand (G>A on the coding strand, the complement: SLC7A7 is on the minus strand). VCF-style: chr14-22813036-C-T. GRCh37 (hg19) VCF-style: chr14-23282245-C-T.
Other names: c.363G>A, p.Trp121Ter (NM_001126105.3, NM_001126106.4); short protein forms W121*.
Identifiers: ClinVar variation 4814591 (VCV004814591.1).